The following is an entry in ClinVar:

ClinVar aggregate classification (germline): Uncertain significance (1 of 4 stars; one submission).

Conditions:
Glycogen storage disease type III (GSD3). Also called: FORBES DISEASE; Cori disease. Identifiers: Orphanet 366, MedGen C0017922, MONDO:0009291, OMIM 232400.

Submission:

Labcorp Genetics (formerly Invitae), Labcorp
Classification: Uncertain significance for Glycogen storage disease type III. Last evaluated: 2022-03-27. Review status: criteria provided, single submitter. Criteria: Invitae Variant Classification Sherloc (09022015). Collection method: clinical testing. Allele origin: germline.
Comment: This sequence change replaces proline, which is neutral and non-polar, with serine, which is neutral and polar, at codon 872 of the AGL protein (p.Pro872Ser). This variant is not present in population databases (gnomAD no frequency). This variant has not been reported in the literature in individuals affected with AGL-related conditions. Algorithms developed to predict the effect of missense changes on protein structure and function output the following: SIFT: "Tolerated"; PolyPhen-2: "Benign"; Align-GVGD: "Class C0". The serine amino acid residue is found in multiple mammalian species, which suggests that this missense change does not adversely affect protein function. In summary, the available evidence is currently insufficient to determine the role of this variant in disease. Therefore, it has been classified as a Variant of Uncertain Significance.

NM_000642.3(AGL):c.2614C>T (p.Pro872Ser)

Gene: AGL (amylo-alpha-1,6-glucosidase and 4-alpha-glucanotransferase; plus strand). Cytogenetic location: 1p21.2.
Variant type: single nucleotide variant.
Coding change: c.2614C>T on transcript NM_000642.3 (MANE Select); coding-DNA position 2614, C replaced by T.
Protein change: p.Pro872Ser; replaces proline 872 with serine.
Molecular consequence: missense variant.
Genome position (GRCh38, 1-based): chr1:99,884,636, C>T. VCF-style: chr1-99884636-C-T. GRCh37 (hg19) VCF-style: chr1-100350192-C-T.
Other names: c.2614C>T, p.Pro872Ser (NM_000028.3, NM_000643.3, NM_000644.3 and 2 more transcripts); c.2566C>T, p.Pro856Ser (NM_000646.3); c.2413C>T, p.Pro805Ser (NM_001425327.1); c.2410C>T, p.Pro804Ser (NM_001425328.1); c.2236C>T, p.Pro746Ser (NM_001425332.1); short protein forms P856S, P872S, P746S, P804S, P805S.
Identifiers: ClinVar variation 2118002 (VCV002118002.1), dbSNP rs2524677475, ClinGen allele CA341321750.